The following is an entry in ClinVar:

ClinVar aggregate classification (germline): Likely benign. Review status: criteria provided, multiple submitters, no conflicts (2 of 4 stars). 3 submissions from 3 submitters: Likely benign (2). 1 of the submissions does not count toward it. Last evaluated 2025-11-27.

Conditions:
CLN6-related disorder. Also called: CLN6-related condition.
Neuronal ceroid lipofuscinosis. Also called: Neuronal Ceroid Lipofuscinoses. Identifiers: Orphanet 216, Orphanet 79263, MedGen C0027877, MONDO:0016295. Disease mechanism: loss of function.

Allele frequency attached by ClinVar (database versions not stated): gnomAD exomes 0.00001 and 0.00003; ExAC 0.00002.
gnomAD v4.1: 17 of 1,614,052 alleles (0.0011%); highest among the groups gnomAD compares: South Asian, 0.019%; 1 homozygote.

Submissions (3):

Labcorp Genetics (formerly Invitae), Labcorp
Classification: Likely benign for Neuronal ceroid lipofuscinosis. Last evaluated: 2025-11-27. Review status: criteria provided, single submitter. Criteria: Invitae Variant Classification Sherloc (09022015). Collection method: clinical testing. Allele origin: germline.

Blueprint Genetics
Classification: Likely benign. Last evaluated: 2024-03-01. Review status: criteria provided, single submitter. Criteria: ACMG Guidelines, 2015. Collection method: clinical testing. Allele origin: germline.

PreventionGenetics, part of Exact Sciences
Classification: Likely benign for CLN6-related condition. Last evaluated: 2019-06-27. Review status: no assertion criteria provided. Collection method: clinical testing. Allele origin: germline. Not counted in ClinVar's aggregate classification.
Comment: This variant is classified as likely benign based on ACMG/AMP sequence variant interpretation guidelines (Richards et al. 2015 PMID: 25741868, with internal and published modifications).

NM_017882.3(CLN6):c.534C>T (p.His178=)

Gene: CLN6 (CLN6 transmembrane ER protein; minus strand). Cytogenetic location: 15q23.
Variant type: single nucleotide variant.
Coding change: c.534C>T on transcript NM_017882.3 (MANE Select); coding-DNA position 534, C replaced by T.
Protein change: p.His178=; no amino-acid change (histidine 178 retained).
Molecular consequence: synonymous variant.
Genome position (GRCh38, 1-based): chr15:68,211,271, G>A on the plus strand (C>T on the coding strand, the complement: CLN6 is on the minus strand). VCF-style: chr15-68211271-G-A. GRCh37 (hg19) VCF-style: chr15-68503609-G-A.
Other names: c.534C>T (NM_017882.2).
Identifiers: ClinVar variation 1142064 (VCV001142064.12), dbSNP rs763901402, ClinGen allele CA7630560.